The following is an entry in ClinVar:

NM_001035.3(RYR2):c.11145+4A>G

Gene: RYR2 (ryanodine receptor 2; plus strand). Cytogenetic location: 1q43.
Variant type: single nucleotide variant.
Coding change: c.11145+4A>G on transcript NM_001035.3 (MANE Select); 4 bases into the intron after coding-DNA position 11145, A replaced by G.
Molecular consequence: intron variant.
Genome position (GRCh38, 1-based): chr1:237,742,353, A>G. VCF-style: chr1-237742353-A-G. GRCh37 (hg19) VCF-style: chr1-237905653-A-G.
Identifiers: ClinVar variation 2774383 (VCV002774383.2), dbSNP rs2527201918, ClinGen allele CA2534543830.

ClinVar aggregate classification (germline): Uncertain significance (1 of 4 stars; one submission).

Conditions:
Cardiomyopathy (CMYO). Also called: Cardiomyopathies. Identifiers: Orphanet 167848, MedGen C0878544, MONDO:0004994, HP:0001638. Inheritance: Various modes of inheritance.

Submission:

Color Diagnostics, LLC DBA Color Health
Classification: Uncertain significance for Cardiomyopathy. Last evaluated: 2022-12-21. Review status: criteria provided, single submitter. Criteria: ACMG Guidelines, 2015. Collection method: clinical testing. Allele origin: germline.
Comment: This variant causes an A to G nucleotide substitution at the +4 position of intron 80 of the RYR2 gene. Splice site prediction tools predict that this variant may have a significant impact on RNA splicing. To our knowledge, functional studies have not been reported for this variant. This variant has not been reported in individuals affected with RYR2-related disorders in the literature. This variant has not been identified in the general population by the Genome Aggregation Database (gnomAD). The available evidence is insufficient to determine the role of this variant in disease conclusively. Therefore, this variant is classified as a Variant of Uncertain Significance.